The following is an entry in ClinVar:

NM_005422.4(TECTA):c.2503A>C (p.Ile835Leu)

Genes: TBCEL-TECTA (TBCEL-TECTA readthrough; plus strand), TECTA (tectorin alpha; plus strand), LOC126861365 (P300/CBP strongly-dependent group 1 enhancer GRCh37_chr11:121000154-121001353; plus strand). Cytogenetic location: 11q23.3.
Variant type: single nucleotide variant.
Coding change: c.2503A>C on transcript NM_005422.4 (MANE Select); coding-DNA position 2503, A replaced by C.
Protein change: p.Ile835Leu; replaces isoleucine 835 with leucine.
Molecular consequence: missense variant.
Genome position (GRCh38, 1-based): chr11:121,129,773, A>C. VCF-style: chr11-121129773-A-C. GRCh37 (hg19) VCF-style: chr11-121000482-A-C.
Other names: c.3460A>C, p.Ile1154Leu (NM_001378761.1); short protein forms I1154L, I835L.
Identifiers: ClinVar variation 1307289 (VCV001307289.3), dbSNP rs1417524314, ClinGen allele CA383016105.

ClinVar aggregate classification (germline): Uncertain significance. Review status: criteria provided, multiple submitters, no conflicts (2 of 4 stars). 2 submissions from 2 submitters: Uncertain significance (2). Last evaluated 2025-08-11.

Conditions:
Inborn genetic diseases. Identifiers: MedGen C0950123, MeSH D030342.

Allele frequency attached by ClinVar (database versions not stated): gnomAD exomes below 0.00001.
gnomAD v4.1: 3 of 1,614,130 alleles (0.00019%); highest among the groups gnomAD compares: Admixed American, 0.0017%; no homozygotes.

Submissions (2):

Ambry Genetics
Classification: Uncertain significance for Inborn genetic diseases. Last evaluated: 2025-08-11. Review status: criteria provided, single submitter. Criteria: Ambry Variant Classification Scheme 2023. Collection method: clinical testing. Allele origin: germline.

GeneDx
Classification: Uncertain significance. Last evaluated: 2019-07-25. Review status: criteria provided, single submitter. Criteria: GeneDx Variant Classification Process June 2021. Collection method: clinical testing. Allele origin: germline. Affected: yes.
Comment: In silico analysis, which includes protein predictors and evolutionary conservation, supports that this variant does not alter protein structure/function; Has not been previously published as pathogenic or benign to our knowledge